The following is an entry in ClinVar:

ClinVar aggregate classification (germline): Uncertain significance (1 of 4 stars; one submission).

Conditions:
Amelocerebrohypohidrotic syndrome (KTZS). Also called: Kohlschutter's syndrome; EPILEPSY AND YELLOW TEETH; EPILEPSY, DEMENTIA, AND AMELOGENESIS IMPERFECTA; KOHLSCHUTTER SYNDROME. Identifiers: Orphanet 1946, MedGen C0406740, MONDO:0009185, OMIM 226750.

Submission:

Labcorp Genetics (formerly Invitae), Labcorp
Classification: Uncertain significance for Amelocerebrohypohidrotic syndrome. Last evaluated: 2022-08-23. Review status: criteria provided, single submitter. Criteria: Invitae Variant Classification Sherloc (09022015). Collection method: clinical testing. Allele origin: germline.
Comment: This sequence change replaces arginine, which is basic and polar, with proline, which is neutral and non-polar, at codon 130 of the ROGDI protein (p.Arg130Pro). In summary, the available evidence is currently insufficient to determine the role of this variant in disease. Therefore, it has been classified as a Variant of Uncertain Significance. Algorithms developed to predict the effect of missense changes on protein structure and function are either unavailable or do not agree on the potential impact of this missense change (SIFT: "Tolerated"; PolyPhen-2: "Probably Damaging"; Align-GVGD: "Class C0"). ClinVar contains an entry for this variant (Variation ID: 1036126). This variant has not been reported in the literature in individuals affected with ROGDI-related conditions. This variant is not present in population databases (gnomAD no frequency).

NM_024589.3(ROGDI):c.389G>C (p.Arg130Pro)

Gene: ROGDI (rogdi atypical leucine zipper; minus strand). Cytogenetic location: 16p13.3.
Variant type: single nucleotide variant.
Coding change: c.389G>C on transcript NM_024589.3 (MANE Select); coding-DNA position 389, G replaced by C.
Protein change: p.Arg130Pro; replaces arginine 130 with proline.
Molecular consequence: missense variant. On other transcripts: non-coding transcript variant (1).
Genome position (GRCh38, 1-based): chr16:4,799,729, C>G on the plus strand (G>C on the coding strand, the complement: ROGDI is on the minus strand). VCF-style: chr16-4799729-C-G. GRCh37 (hg19) VCF-style: chr16-4849730-C-G.
Other names: short protein forms R130P.
Identifiers: ClinVar variation 1036126 (VCV001036126.8), dbSNP rs374603311, ClinGen allele CA394653348.
Genomic context (GRCh38, chr16:4,799,729, plus strand): 5'-GCCCGGGGGCAGCTCACCTTGAGGACCTCAGCGCCCGTCTTGAACTGGTAGCTCTGGTCC[C>G]GGCTGGTAAGCAGGTAAATGGCTTGGCTCACATGGTTTCTGGCATCCTGGATCTGGAAGC-3'
Protein context (NP_078865.1, residues 120-140): VSQAIYLLTS[Arg130Pro]DQSYQFKTGA